The following is an entry in ClinVar:

ClinVar aggregate classification (germline): Pathogenic (1 of 4 stars; one submission).

Conditions:
Familial hypokalemia-hypomagnesemia (GTLMNS). Also called: POTASSIUM AND MAGNESIUM DEPLETION; HYPOMAGNESEMIA-HYPOKALEMIA, PRIMARY RENOTUBULAR, WITH HYPOCALCIURIA; gitelman syndrome. Identifiers: Orphanet 358, MedGen C0268450, MONDO:0009904, OMIM 263800.

Submission:

Clinical Genetics Unit, University of Padua
Classification: Pathogenic for Familial hypokalemia-hypomagnesemia. Last evaluated: 2025-01-01. Review status: criteria provided, single submitter. Criteria: ACMG Guidelines, 2015. Collection method: clinical testing. Allele origin: germline. Affected: yes. Observed: 1 variant allele.
Comment: This is a nonsense variant (PVS1); it is not present in gnomAD (PM2); it was reported in trans with NM_000339.3:c.565A>C, a pathogenic variant (PM3).

NM_001126108.2(SLC12A3):c.2119_2133delinsAG (p.Ala707fs)

Gene: SLC12A3 (solute carrier family 12 member 3; plus strand). Cytogenetic location: 16q13.
Variant type: Indel.
Coding change: c.2119_2133delinsAG on transcript NM_001126108.2 (MANE Select); coding-DNA positions 2119 to 2133, GCCTTCTACTCGGAT replaced by AG.
Protein change: p.Ala707fs; shifts the reading frame from alanine 707.
Molecular consequence: frameshift variant.
Genome position (GRCh38, 1-based): chr16:56,887,034-56,887,048, GCCTTCTACTCGGAT replaced by AG. VCF-style: chr16-56887034-GCCTTCTACTCGGAT-AG. GRCh37 (hg19) VCF-style: chr16-56920946-GCCTTCTACTCGGAT-AG.
Other names: NP_000330.3:p.(Ala707ArgfsTer23); c.2119_2133delinsAG, p.Ala707fs (NM_000339.3); c.2116_2130delinsAG, p.Ala706fs (NM_001126107.2, NM_001410896.1); short protein forms A706fs, A707fs.
Identifiers: ClinVar variation 4813300 (VCV004813300.1).
Genomic context (GRCh38, chr16:56,887,034, plus strand): 5'-CCTGAGCTCCAGCTCATCGCCAACGGGCACACCAAGTGGCTGAACAAGAGGAAGATCAAG[GCCTTCTACTCGGAT>AG]GTCATTGCCGAGGACCTCCGCAGAGGCGTCCAGATCCTCATGCAGGTGCCATGGACTGGG-3'